The following is an entry in ClinVar:

NM_003722.5(TP63):c.2021G>A (p.Arg674His)

Gene: TP63 (tumor protein p63; plus strand). Cytogenetic location: 3q28.
Variant type: single nucleotide variant.
Coding change: c.2021G>A on transcript NM_003722.5 (MANE Select); coding-DNA position 2021, G replaced by A.
Protein change: p.Arg674His; replaces arginine 674 with histidine.
Molecular consequence: missense variant. On other transcripts: 3 prime UTR variant (6).
Genome position (GRCh38, 1-based): chr3:189,894,480, G>A. VCF-style: chr3-189894480-G-A. GRCh37 (hg19) VCF-style: chr3-189612269-G-A.
Other names: c.*259G>A (NM_001114978.2, NM_001114981.2); c.1739G>A, p.Arg580His (NM_001114980.2); c.*249G>A (NM_001329144.2, NM_001329145.2, NM_001329149.2 and 1 more transcripts); c.1484G>A, p.Arg495His (NM_001329146.2); c.2009G>A, p.Arg670His (NM_001329148.2); c.2015G>A, p.Arg672His (NM_001329964.2); short protein forms R495H, R580H, R670H, R672H, R674H.
Identifiers: ClinVar variation 1314992 (VCV001314992.4), dbSNP rs34713855, ClinGen allele CA2752613.

ClinVar aggregate classification (germline): Uncertain significance. Review status: criteria provided, multiple submitters, no conflicts (2 of 4 stars). 3 submissions from 3 submitters: Uncertain significance (3). Last evaluated 2023-08-10.

Conditions:
Ectrodactyly, ectodermal dysplasia, and cleft lip-palate syndrome 3. Also called: Ectrodactyly, Ectodermal Dysplasia, Clefting Syndrome; Ectrodactyly, Ectodermal Dysplasia, Cleft Lip/Palate Syndrome 3 (EEC3); Ectrodactyly, Ectodermal Dysplasia, Clefting Syndrome Type 3 (EEC3); EEC SYNDROME 3. Identifiers: Orphanet 1896, MedGen C1858562, MONDO:0011428, OMIM 604292.
Orofacial cleft 8. Also called: Cleft lip with or without cleft palate, nonsyndromic, 8. Identifiers: MedGen C1851878, MONDO:0029145, OMIM 618149.
Limb-mammary syndrome (LMS). Also called: Mammary hypoplasia, ectrodactyly, and other hand/foot anomalies. Identifiers: Orphanet 69085, MedGen C1863753, MONDO:0011334, OMIM 603543.
ADULT syndrome. Also called: Acro-Dermo-Ungual-Lacrimal-Tooth Syndrome (ADULT Syndrome); Acro-dermato-ungual-lacrimal-tooth (adult) syndrome; ACRO-DERMATO-UNGUAL-LACRIMAL-TOOTH SYNDROME. Identifiers: Orphanet 978, MedGen C1863204, MONDO:0007072, OMIM 103285.
Rapp-Hodgkin syndrome (RHS). Also called: Isolated Cleft Lip/Cleft Palate (Orofacial Cleft 8); ECTODERMAL DYSPLASIA, ANHIDROTIC, WITH CLEFT LIP/PALATE; Rapp-Hodgkin ectodermal dysplasia syndrome. Identifiers: MedGen C1785148, MONDO:0007508, OMIM 129400.
Split hand-foot malformation 4. Also called: Split-Hand/Foot Malformation Type 4 (SHFM4); Split-Hand/Foot Malformation Type 4 (SHFM4 syndrome). Identifiers: Orphanet 2440, MedGen C1854442, MONDO:0011535, OMIM 605289.
Ankyloblepharon-ectodermal defects-cleft lip/palate syndrome. Also called: Hay-Wells syndrome of ectodermal dysplasia; Ankyloblepharon-Ectodermal Defects-Cleft Lip/Palate Syndrome (AEC Syndrome); AEC SYNDROME; HAY-WELLS SYNDROME; Ankyloblepharon-ectodermal defects, cleft lip/palate. Identifiers: Orphanet 1071, MedGen C0406709, MONDO:0007124, OMIM 106260.

Allele frequency attached by ClinVar (database versions not stated): gnomAD 0.00005 and 0.00006; ESP Exome Variant Server 0.00015; TOPMed 0.00009.
gnomAD v4.1: 45 of 1,613,490 alleles (0.0028%); highest among the groups gnomAD compares: African/African-American, 0.013%; no homozygotes.

Submissions (3):

Women's Health and Genetics/Laboratory Corporation of America, LabCorp
Classification: Uncertain significance. Last evaluated: 2023-08-10. Review status: criteria provided, single submitter. Criteria: LabCorp Variant Classification Summary - May 2015. Collection method: clinical testing. Allele origin: germline.
Comment: Variant summary: TP63 c.2021G>A (p.Arg674His) results in a non-conservative amino acid change in the encoded protein sequence. Three of three in-silico tools predict a damaging effect of the variant on protein function. The variant allele was found at a frequency of 2.4e-05 in 250602 control chromosomes (gnomAD). The available data on variant occurrences in the general population are insufficient to allow any conclusion about variant significance. c.2021G>A has been reported in the literature in individuals affected with Burkitt Lymphoma (Kim_2021). These report(s) do not provide unequivocal conclusions about association of the variant with TP63-Related Disorders. To our knowledge, no experimental evidence demonstrating an impact on protein function has been reported. The following publication have been ascertained in the context of this evaluation (PMID: 34308104). Two submitters have cited clinical-significance assessments for this variant to ClinVar after 2014. All submitters classified the variant as uncertain significance. Based on the evidence outlined above, the variant was classified as uncertain significance.

Fulgent Genetics
Classification: Uncertain significance for ADULT syndrome; Ankyloblepharon-ectodermal defects-cleft lip/palate syndrome; Rapp-Hodgkin syndrome; Limb-mammary syndrome; Ectrodactyly, ectodermal dysplasia, and cleft lip-palate syndrome 3; Split hand-foot malformation 4; Orofacial cleft 8. Last evaluated: 2022-05-10. Review status: criteria provided, single submitter. Criteria: ACMG Guidelines, 2015. Collection method: clinical testing. Allele origin: unknown.

GeneDx
Classification: Uncertain significance. Last evaluated: 2021-06-11. Review status: criteria provided, single submitter. Criteria: GeneDx Variant Classification Process June 2021. Collection method: clinical testing. Allele origin: germline. Affected: yes.
Comment: In silico analysis supports that this missense variant does not alter protein structure/function; Has not been previously published as pathogenic or benign to our knowledge; This variant is associated with the following publications: (PMID: 27535533, 29339502, 12037717)

Literature cited by the submitters: PubMed 34308104 (cited by Women's Health and Genetics/Laboratory Corporation of America, LabCorp).